The following is an entry in ClinVar:

ClinVar aggregate classification (germline): Uncertain significance. Review status: criteria provided, multiple submitters, no conflicts (2 of 4 stars). 2 submissions from 2 submitters: Uncertain significance (2). Last evaluated 2025-11-17.

Conditions:
Familial thoracic aortic aneurysm and aortic dissection (TAAD). Also called: Thoracic aortic aneurysms and dissections. Identifiers: Orphanet 91387, MedGen C4707243, MONDO:0019625.
Ehlers-Danlos syndrome, type 4 (EDSVASC). Also called: Ehlers-Danlos Syndrome Type IV; Ehlers-Danlos syndrome vascular type; Ehlers Danlos syndrome, ecchymotic type; Ehlers Danlos syndrome, arterial type; Ehlers Danlos syndrome, Sack-Barabas type. Identifiers: Orphanet 286, MedGen C0268338, MONDO:0017314, OMIM 130050.

Allele frequency attached by ClinVar (database versions not stated): ExAC 0.00001; gnomAD 0.00001; gnomAD exomes 0.00001 and 0.00003; TOPMed 0.00002.
gnomAD v4.1: 9 of 1,613,694 alleles (0.00056%); highest among the groups gnomAD compares: East Asian, 0.02%; no homozygotes.

Submissions (2):

Color Diagnostics, LLC DBA Color Health
Classification: Uncertain significance for Familial thoracic aortic aneurysm and aortic dissection. Last evaluated: 2025-11-17. Review status: criteria provided, single submitter. Criteria: ACMG Guidelines, 2015. Collection method: clinical testing. Allele origin: germline.
Comment: This missense variant replaces alanine with valine at codon 319 of the COL3A1 protein. Computational prediction suggests that this variant may not impact protein structure and function. To our knowledge, functional studies have not been reported for this variant. This variant has not been reported in individuals affected with COL3A1-related disorders in the literature. This variant has been identified in 7/251398 chromosomes in the general population by the Genome Aggregation Database (gnomAD). The available evidence is insufficient to determine the role of this variant in disease conclusively. Therefore, this variant is classified as a Variant of Uncertain Significance.

Labcorp Genetics (formerly Invitae), Labcorp
Classification: Uncertain significance for Ehlers-Danlos syndrome, type 4. Last evaluated: 2023-12-11. Review status: criteria provided, single submitter. Criteria: Invitae Variant Classification Sherloc (09022015). Collection method: clinical testing. Allele origin: germline.
Comment: This sequence change replaces alanine, which is neutral and non-polar, with valine, which is neutral and non-polar, at codon 319 of the COL3A1 protein (p.Ala319Val). This variant is present in population databases (rs754503346, gnomAD 0.04%). This variant has not been reported in the literature in individuals affected with COL3A1-related conditions. ClinVar contains an entry for this variant (Variation ID: 920488). Advanced modeling of protein sequence and biophysical properties (such as structural, functional, and spatial information, amino acid conservation, physicochemical variation, residue mobility, and thermodynamic stability) performed at Invitae indicates that this missense variant is not expected to disrupt COL3A1 protein function with a negative predictive value of 95%. In summary, the available evidence is currently insufficient to determine the role of this variant in disease. Therefore, it has been classified as a Variant of Uncertain Significance.

NM_000090.4(COL3A1):c.956C>T (p.Ala319Val)

Gene: COL3A1 (collagen type III alpha 1 chain; plus strand). Cytogenetic location: 2q32.2.
Variant type: single nucleotide variant.
Coding change: c.956C>T on transcript NM_000090.4 (MANE Select); coding-DNA position 956, C replaced by T.
Protein change: p.Ala319Val; replaces alanine 319 with valine.
Molecular consequence: missense variant.
Genome position (GRCh38, 1-based): chr2:188,992,188, C>T. VCF-style: chr2-188992188-C-T. GRCh37 (hg19) VCF-style: chr2-189856914-C-T.
Other names: short protein forms A319V.
Identifiers: ClinVar variation 920488 (VCV000920488.8), dbSNP rs754503346, ClinGen allele CA077130.